The following is an entry in ClinVar:

NM_014159.7(SETD2):c.6263A>T (p.Tyr2088Phe)

Gene: SETD2 (SET domain containing 2, histone lysine methyltransferase; minus strand). Cytogenetic location: 3p21.31.
Variant type: single nucleotide variant.
Coding change: c.6263A>T on transcript NM_014159.7 (MANE Select); coding-DNA position 6263, A replaced by T.
Protein change: p.Tyr2088Phe; replaces tyrosine 2088 with phenylalanine.
Molecular consequence: missense variant. On other transcripts: non-coding transcript variant (1).
Genome position (GRCh38, 1-based): chr3:47,062,193, T>A on the plus strand (A>T on the coding strand, the complement: SETD2 is on the minus strand). VCF-style: chr3-47062193-T-A. GRCh37 (hg19) VCF-style: chr3-47103683-T-A.
Other names: c.6131A>T, p.Tyr2044Phe (NM_001349370.3); short protein forms Y2044F, Y2088F.
Identifiers: ClinVar variation 3253110 (VCV003253110.1), dbSNP rs2040362860.
Genomic context (GRCh38, chr3:47,062,193, plus strand): 5'-AAAACAAAAAAACTCACACAGGCCACTTACCTGTCATCTGGCCTTTTTGTTCCCCGCTCA[T>A]AGGCAGAAGAGGGTGGTGAGAGGGAGCTTCTTCGTTTCCTTTTCTCTTTATTTTGAGTTT-3'
Protein context (NP_054878.5, residues 2078-2098): RSSLSPPSSA[Tyr2088Phe]ERGTKRPDDR

ClinVar aggregate classification (germline): Uncertain significance (1 of 4 stars; one submission).

Submission:

GeneDx
Classification: Uncertain significance. Last evaluated: 2023-12-08. Review status: criteria provided, single submitter. Criteria: GeneDx Variant Classification Process June 2021. Collection method: clinical testing. Allele origin: germline. Affected: yes.
Comment: Not observed at significant frequency in large population cohorts (gnomAD); In silico analysis supports that this missense variant does not alter protein structure/function; Has not been previously published as pathogenic or benign to our knowledge